The following is an entry in ClinVar:

NM_001875.5(CPS1):c.4483A>G (p.Ser1495Gly)

Gene: CPS1 (carbamoyl-phosphate synthase 1; plus strand). Cytogenetic location: 2q34.
Variant type: single nucleotide variant.
Coding change: c.4483A>G on transcript NM_001875.5 (MANE Select); coding-DNA position 4483, A replaced by G.
Protein change: p.Ser1495Gly; replaces serine 1495 with glycine.
Molecular consequence: missense variant. On other transcripts: non-coding transcript variant (2).
Genome position (GRCh38, 1-based): chr2:210,677,965, A>G. VCF-style: chr2-210677965-A-G. GRCh37 (hg19) VCF-style: chr2-211542689-A-G.
Other names: c.4483A>G, p.Ser1495Gly (NM_001122633.3, NM_001369257.1); c.4516A>G, p.Ser1506Gly (NM_001369256.1); short protein forms S1495G, S1506G.
Identifiers: ClinVar variation 2288306 (VCV002288306.3), dbSNP rs1268925956, ClinGen allele CA350441342.

ClinVar aggregate classification (germline): Uncertain significance. Review status: criteria provided, multiple submitters, no conflicts (2 of 4 stars). 2 submissions from 2 submitters: Uncertain significance (2). Last evaluated 2026-06-05.

Conditions:
CPS1-related disorder. Also called: CPS1-related condition.
Inborn genetic diseases. Identifiers: MedGen C0950123, MeSH D030342.

Allele frequency attached by ClinVar (database versions not stated): gnomAD 0.00001; gnomAD exomes 0.00001.
gnomAD v4.1: 4 of 1,613,716 alleles (0.00025%); highest among the groups gnomAD compares: Non-Finnish European, 0.00034%; no homozygotes.

Submissions (2):

PreventionGenetics, part of Exact Sciences
Classification: Uncertain significance for CPS1-related condition. Last evaluated: 2026-06-05. Review status: criteria provided, single submitter. Criteria: ACMG Guidelines, 2015. Collection method: clinical testing. Allele origin: germline.
Comment: The CPS1 c.4483A>G variant is predicted to result in the amino acid substitution p.Ser1495Gly. To our knowledge, this variant has not been reported in the literature or in a large population database (gnomAD), indicating this variant is rare. At this time, the clinical significance of this variant is uncertain due to the absence of conclusive functional and genetic evidence.

Ambry Genetics
Classification: Uncertain significance for Inborn genetic diseases. Last evaluated: 2022-05-10. Review status: criteria provided, single submitter. Criteria: Ambry Variant Classification Scheme 2023. Collection method: clinical testing. Allele origin: germline.